The following is an entry in ClinVar:

ClinVar aggregate classification (germline): Pathogenic (1 of 4 stars; one submission).

Submission:

Labcorp Genetics (formerly Invitae), Labcorp
Classification: Pathogenic. Last evaluated: 2022-12-17. Review status: criteria provided, single submitter. Criteria: Invitae Variant Classification Sherloc (09022015). Collection method: clinical testing. Allele origin: germline.
Comment: For these reasons, this variant has been classified as Pathogenic. This variant has not been reported in the literature in individuals affected with PCLO-related conditions. This variant is not present in population databases (gnomAD no frequency). This sequence change creates a premature translational stop signal (p.Gln3906*) in the PCLO gene. It is expected to result in an absent or disrupted protein product. Loss-of-function variants in PCLO are known to be pathogenic (PMID: 25832664, 30287594).

Literature cited by the submitters: PubMed 25832664; PubMed 30287594.

NM_033026.6(PCLO):c.11716C>T (p.Gln3906Ter)

Gene: PCLO (piccolo presynaptic cytomatrix protein; minus strand). Cytogenetic location: 7q21.11.
Variant type: single nucleotide variant.
Coding change: c.11716C>T on transcript NM_033026.6 (MANE Select); coding-DNA position 11716, C replaced by T.
Protein change: p.Gln3906Ter; replaces glutamine 3906 with a stop codon.
Molecular consequence: nonsense.
Genome position (GRCh38, 1-based): chr7:82,916,270, G>A on the plus strand (C>T on the coding strand, the complement: PCLO is on the minus strand). VCF-style: chr7-82916270-G-A. GRCh37 (hg19) VCF-style: chr7-82545586-G-A.
Other names: c.11716C>T, p.Gln3906Ter (NM_014510.3); short protein forms Q3906*.
Identifiers: ClinVar variation 2031497 (VCV002031497.4), dbSNP rs2535554334, ClinGen allele CA367893192.
Genomic context (GRCh38, chr7:82,916,270, plus strand): 5'-GCTGAGTCTGATAAGGTGAAACTTGCTGATGGTACAAAGTTTGTTGCTCAAAATGAGACT[G>A]TTGAGTGTATGAGGTGGGTGCTTGGGTAGGAAGAGCAGGGGAAGAGTACTGGTATTGTGT-3'